The following is an entry in ClinVar:

ClinVar aggregate classification (germline): Uncertain significance (1 of 4 stars; one submission).

Submission:

Labcorp Genetics (formerly Invitae), Labcorp
Classification: Uncertain significance. Last evaluated: 2026-01-05. Review status: criteria provided, single submitter. Criteria: Invitae Variant Classification Sherloc (09022015). Collection method: clinical testing. Allele origin: germline.
Comment: This sequence change replaces leucine, which is neutral and non-polar, with proline, which is neutral and non-polar, at codon 238 of the SLC10A7 protein (p.Leu238Pro). This variant is not present in population databases (gnomAD no frequency). This variant has not been reported in the literature in individuals affected with SLC10A7-related conditions. ClinVar contains an entry for this variant (Variation ID: 3727022). An algorithm developed to predict the effect of missense changes on protein structure and function (PolyPhen-2) suggests that this variant is likely to be tolerated. In summary, the available evidence is currently insufficient to determine the role of this variant in disease. Therefore, it has been classified as a Variant of Uncertain Significance.

NM_001029998.6(SLC10A7):c.713T>C (p.Leu238Pro)

Gene: SLC10A7 (solute carrier family 10 member 7; minus strand). Cytogenetic location: 4q31.22.
Variant type: single nucleotide variant.
Coding change: c.713T>C on transcript NM_001029998.6 (MANE Select); coding-DNA position 713, T replaced by C.
Protein change: p.Leu238Pro; replaces leucine 238 with proline.
Molecular consequence: missense variant.
Genome position (GRCh38, 1-based): chr4:146,293,938, A>G on the plus strand (T>C on the coding strand, the complement: SLC10A7 is on the minus strand). VCF-style: chr4-146293938-A-G. GRCh37 (hg19) VCF-style: chr4-147215090-A-G.
Other names: c.713T>C, p.Leu238Pro (NM_001300842.3); c.674T>C, p.Leu225Pro (NM_001317816.2); short protein forms L225P, L238P.
Identifiers: ClinVar variation 3727022 (VCV003727022.2).